The following is an entry in ClinVar:

ClinVar aggregate classification (germline): Uncertain significance (1 of 4 stars; one submission).

Conditions:
Cardiovascular phenotype. Identifiers: MedGen CN230736.

gnomAD v4.1: 1 of 1,613,832 alleles (0.000062%); highest among the groups gnomAD compares: African/African-American, 0.0013%; no homozygotes.

Submission:

Ambry Genetics
Classification: Uncertain significance for Cardiovascular phenotype. Last evaluated: 2025-03-25. Review status: criteria provided, single submitter. Criteria: Ambry Variant Classification Scheme 2023. Collection method: clinical testing. Allele origin: germline.
Comment: The p.F4243C variant (also known as c.12728T>G), located in coding exon 29 of the APOB gene, results from a T to G substitution at nucleotide position 12728. The phenylalanine at codon 4243 is replaced by cysteine, an amino acid with highly dissimilar properties. This amino acid position is conserved. In addition, this alteration is predicted to be tolerated by in silico analysis. Since supporting evidence is limited at this time, the clinical significance of this alteration remains unclear.

NM_000384.3(APOB):c.12728T>G (p.Phe4243Cys)

Gene: APOB (apolipoprotein B; minus strand). Cytogenetic location: 2p24.1.
Variant type: single nucleotide variant.
Coding change: c.12728T>G on transcript NM_000384.3 (MANE Select); coding-DNA position 12728, T replaced by G.
Protein change: p.Phe4243Cys; replaces phenylalanine 4243 with cysteine.
Molecular consequence: missense variant.
Genome position (GRCh38, 1-based): chr2:21,002,694, A>C on the plus strand (T>G on the coding strand, the complement: APOB is on the minus strand). VCF-style: chr2-21002694-A-C. GRCh37 (hg19) VCF-style: chr2-21225566-A-C.
Other names: short protein forms F4243C.
Identifiers: ClinVar variation 2446988 (VCV002446988.3), dbSNP rs2465349779, ClinGen allele CA345970609.